The following is an entry in ClinVar:

NM_014714.4(IFT140):c.2229G>A (p.Val743=)

Gene: IFT140 (intraflagellar transport 140; minus strand). Cytogenetic location: 16p13.3.
Variant type: single nucleotide variant.
Coding change: c.2229G>A on transcript NM_014714.4 (MANE Select); coding-DNA position 2229, G replaced by A.
Protein change: p.Val743=; no amino-acid change (valine 743 retained).
Molecular consequence: synonymous variant.
Genome position (GRCh38, 1-based): chr16:1,558,105, C>T on the plus strand (G>A on the coding strand, the complement: IFT140 is on the minus strand). VCF-style: chr16-1558105-C-T. GRCh37 (hg19) VCF-style: chr16-1608106-C-T.
Identifiers: ClinVar variation 713503 (VCV000713503.9), dbSNP rs770298357, ClinGen allele CA7813956.
Genomic context (GRCh38, chr16:1,558,105, plus strand): 5'-CACAAAGTCTCGCAGGGGTCTCCTGGACACCATCTGAGGGATGTGGTGGCACCCAGGCTC[C>T]ACCTCGTCTTCTCTGTCTGCTTCTTCGGGCTAAATGACAAAGGACCCATGTGTTTGTTAA-3'
Protein context (NP_055529.2, residues 733-753): KPEEADREDE[Val743=]EPGCHHIPQM

ClinVar aggregate classification (germline): Likely benign. Review status: criteria provided, multiple submitters, no conflicts (2 of 4 stars). 2 submissions from 2 submitters: Likely benign (2). Last evaluated 2026-01-05.

Conditions:
IFT140-related disorder. Also called: IFT140-related condition.
Saldino-Mainzer syndrome (SRTD9). Also called: short-rib thoracic dysplasia 9 with or without polydactyly; SHORT-RIB THORACIC DYSPLASIA 9 WITHOUT POLYDACTYLY; CONORENAL SYNDROME; Renal dysplasia, retinal pigmentary dystrophy, cerebellar ataxia and skeletal dysplasia. Identifiers: Orphanet 140969, MedGen C1849437, MONDO:0009964, OMIM 266920.

Allele frequency attached by ClinVar (database versions not stated): ExAC 0.00001; TOPMed 0.00001; gnomAD 0.00002 and 0.00003.
gnomAD v4.1: 9 of 1,614,036 alleles (0.00056%); highest among the groups gnomAD compares: Admixed American, 0.005%; no homozygotes.

Submissions (2):

Labcorp Genetics (formerly Invitae), Labcorp
Classification: Likely benign for Saldino-Mainzer syndrome. Last evaluated: 2026-01-05. Review status: criteria provided, single submitter. Criteria: Invitae Variant Classification Sherloc (09022015). Collection method: clinical testing. Allele origin: germline.

PreventionGenetics, part of Exact Sciences
Classification: Likely benign for IFT140-related condition. Last evaluated: 2025-11-23. Review status: criteria provided, single submitter. Criteria: ACMG Guidelines, 2015. Collection method: clinical testing. Allele origin: germline.
Comment: This variant is classified as likely benign based on ACMG/AMP sequence variant interpretation guidelines (Richards et al. 2015 PMID: 25741868, with internal and published modifications).